The following is an entry in ClinVar:

NM_000052.7(ATP7A):c.3529_3530delinsAG (p.Gln1177Arg)

Gene: ATP7A (ATPase copper transporting alpha; plus strand). Cytogenetic location: Xq21.1.
Variant type: Indel.
Coding change: c.3529_3530delinsAG on transcript NM_000052.7 (MANE Select); coding-DNA positions 3529 to 3530, CA replaced by AG.
Protein change: p.Gln1177Arg; replaces glutamine 1177 with arginine.
Molecular consequence: missense variant. On other transcripts: non-coding transcript variant (1).
Genome position (GRCh38, 1-based): chrX:78,038,853-78,038,854, CA replaced by AG. VCF-style: chrX-78038853-CA-AG. GRCh37 (hg19) VCF-style: chrX-77294351-CA-AG.
Other names: c.3295_3296delinsAG, p.Gln1099Arg (NM_001282224.2); short protein forms Q1177R, Q1099R.
Identifiers: ClinVar variation 5004639 (VCV005004639.1).
Genomic context (GRCh38, chrX:78,038,853, plus strand): 5'-ATTAATTGAACTTACTAAATGTTATTTCTGTGCCTACTTTCAGATGCTCTTAATGCTCAG[CA>AG]GTATAAAGTCCTCATTGGTAACCGGGAGTGGATGATTAGAAATGGTCTTGTCATTAATAA-3'
Protein context (NP_000043.4, residues 1167-1187): AQISNALNAQ[Gln1177Arg]YKVLIGNREW

ClinVar aggregate classification (germline): Uncertain significance (1 of 4 stars; one submission).

Conditions:
Menkes kinky-hair syndrome (MNK). Also called: Menkes Disease; Copper transport disease; Classic Menkes Disease. Identifiers: Orphanet 565, MedGen C0022716, MONDO:0010651, OMIM 309400.

Submission:

Myriad Genetics, Inc.
Classification: Uncertain significance for Menkes kinky-hair syndrome. Last evaluated: 2026-05-04. Review status: criteria provided, single submitter. Criteria: Myriad Autosomal Dominant, Autosomal Recessive and X-Linked Classification Criteria (2023). Collection method: clinical testing. Allele origin: unknown.
Comment: NM_000052.5(ATP7A):c.3529_3530delCAinsAG(Q1177R) is a missense variant classified as a variant of uncertain significance in the context of ATP7A-related disorders. Q1177R has not been observed in cases with relevant disease. Relevant functional assessments of this variant are not available in the literature. Q1177R has not been observed in referenced population frequency databases. In summary, there is insufficient evidence to classify NM_000052.5(ATP7A):c.3529_3530delCAinsAG(Q1177R) as pathogenic or benign. Please note: this variant was assessed in the context of healthy population screening.